The following is an entry in ClinVar:

ClinVar aggregate classification (germline): Benign/Likely benign. Review status: criteria provided, multiple submitters, no conflicts (2 of 4 stars). 2 submissions from 2 submitters: Benign (1); Likely benign (1). Last evaluated 2026-06-29.

Conditions:
Sessile serrated polyposis cancer syndrome (SSPCS). Identifiers: Orphanet 157798, MedGen C4310714, MONDO:0014919, OMIM 617108.

Submissions (2):

Myriad Genetics, Inc.
Classification: Benign for Sessile serrated polyposis cancer syndrome. Last evaluated: 2026-06-29. Review status: criteria provided, single submitter. Criteria: Myriad Autosomal Dominant, Autosomal Recessive and X-Linked Classification Criteria (2023). Collection method: clinical testing. Allele origin: unknown.
Comment: This variant is considered benign. This variant is a silent/synonymous amino acid change and it is not expected to impact splicing.

Ambry Genetics
Classification: Likely benign. Last evaluated: 2025-05-05. Review status: criteria provided, single submitter. Criteria: Ambry Variant Classification Scheme 2023. Collection method: clinical testing. Allele origin: germline.

NM_017763.6(RNF43):c.261G>T (p.Pro87=)

Gene: RNF43 (ring finger protein 43; minus strand). Cytogenetic location: 17q22.
Variant type: single nucleotide variant.
Coding change: c.261G>T on transcript NM_017763.6 (MANE Select); coding-DNA position 261, G replaced by T.
Protein change: p.Pro87=; no amino-acid change (proline 87 retained).
Molecular consequence: synonymous variant.
Genome position (GRCh38, 1-based): chr17:58,371,025, C>A on the plus strand (G>T on the coding strand, the complement: RNF43 is on the minus strand). VCF-style: chr17-58371025-C-A. GRCh37 (hg19) VCF-style: chr17-56448386-C-A.
Other names: c.261G>T, p.Pro87= (NM_001305544.3); c.-121G>T (NM_001305545.2).
Identifiers: ClinVar variation 3946880 (VCV003946880.2).